The following is an entry in ClinVar:

NM_015978.3(TNNI3K):c.40+1G>C

Genes: FPGT-TNNI3K (FPGT-TNNI3K readthrough; plus strand), TNNI3K (TNNI3 interacting kinase; plus strand). Cytogenetic location: 1p31.1.
Variant type: single nucleotide variant.
Coding change: c.40+1G>C on transcript NM_015978.3 (MANE Select); the canonical splice donor site of the intron after coding-DNA position 40, G replaced by C.
Molecular consequence: splice donor variant. On other transcripts: intron variant (2).
Genome position (GRCh38, 1-based): chr1:74,235,492, G>C. VCF-style: chr1-74235492-G-C. GRCh37 (hg19) VCF-style: chr1-74701176-G-C.
Other names: c.344-610G>C (NM_001112808.3, NM_001199327.2).
Identifiers: ClinVar variation 3371017 (VCV003371017.1).
Genomic context (GRCh38, chr1:74,235,492, plus strand): 5'-AAGGAAGAAACTTATAATAAATGGGAAATTATAAATCTAGACCAACCCAAACTTGTACTG[G>C]TAATTATTCTAATTATTCTTATTTCCTTAAGTGTAATATGGTTCAATTATAGTTACTGAT-3'

ClinVar aggregate classification (germline): Uncertain significance (1 of 4 stars; one submission).

gnomAD v4.1: 1 of 1,407,702 alleles (0.000071%); highest among the groups gnomAD compares: Non-Finnish European, 0.000099%; no homozygotes.

Submission:

GeneDx
Classification: Uncertain significance. Last evaluated: 2024-03-19. Review status: criteria provided, single submitter. Criteria: GeneDx Variant Classification Process June 2021. Collection method: clinical testing. Allele origin: germline. Affected: yes.
Comment: Not observed at significant frequency in large population cohorts (gnomAD); Canonical splice site variant in a gene or region of a gene for which loss of function is not a well-established mechanism of disease; Has not been previously published as pathogenic or benign to our knowledge